The following is an entry in ClinVar:

ClinVar aggregate classification (germline): Conflicting classifications of pathogenicity. Review status: criteria provided, conflicting classifications (1 of 4 stars). 4 submissions from 4 submitters: Uncertain significance (2); Likely benign (2). Last evaluated 2023-10-13.

Conditions:
Tuberous sclerosis 1 (TSC1). Identifiers: Orphanet 805, MedGen C1854465, MONDO:0008612, OMIM 191100.
Tuberous sclerosis syndrome (TSC). Also called: Tuberous Sclerosis Complex; Tuberous sclerosis. Identifiers: Orphanet 805, MedGen C0041341, MONDO:0001734.

Allele frequency attached by ClinVar (database versions not stated): ExAC 0.00001; gnomAD exomes 0.00001.
gnomAD v4.1: 7 of 1,614,140 alleles (0.00043%); highest among the groups gnomAD compares: South Asian, 0.0077%; no homozygotes.

Submissions (4):

Labcorp Genetics (formerly Invitae), Labcorp
Classification: Likely benign for Tuberous sclerosis 1. Last evaluated: 2023-10-13. Review status: criteria provided, single submitter. Criteria: Invitae Variant Classification Sherloc (09022015). Collection method: clinical testing. Allele origin: germline.

All of Us Research Program, National Institutes of Health
Classification: Likely benign for Tuberous sclerosis syndrome. Last evaluated: 2023-05-04. Review status: criteria provided, single submitter. Criteria: ACMG Guidelines, 2015. Collection method: clinical testing. Allele origin: germline. Inheritance: Autosomal dominant inheritance. Observed: 1 variant allele, 1 heterozygote.
Comment: This study involves interpretation of variants in research participants for the purpose of population health screening. Participant phenotype was not available at the time of variant classification. Additional details can be found in publication PMID: 35346344, PMCID: PMC8962531

Genome-Nilou Lab
Classification: Uncertain significance for Tuberous sclerosis 1. Last evaluated: 2021-11-07. Review status: criteria provided, single submitter. Criteria: ACMG Guidelines, 2015. Collection method: clinical testing. Allele origin: germline. Affected: no.

GeneDx
Classification: Uncertain significance. Last evaluated: 2020-08-24. Review status: criteria provided, single submitter. Criteria: GeneDx Variant Classification Process June 2021. Collection method: clinical testing. Allele origin: germline. Affected: yes.
Comment: In silico analysis supports that this missense variant does not alter protein structure/function; Has not been previously published as pathogenic or benign to our knowledge

NM_000368.5(TSC1):c.2434A>G (p.Ile812Val)

Gene: TSC1 (TSC complex subunit 1; minus strand). Cytogenetic location: 9q34.13.
Variant type: single nucleotide variant.
Coding change: c.2434A>G on transcript NM_000368.5 (MANE Select); coding-DNA position 2434, A replaced by G.
Protein change: p.Ile812Val; replaces isoleucine 812 with valine.
Molecular consequence: missense variant.
Genome position (GRCh38, 1-based): chr9:132,901,657, T>C on the plus strand (A>G on the coding strand, the complement: TSC1 is on the minus strand). VCF-style: chr9-132901657-T-C. GRCh37 (hg19) VCF-style: chr9-135777044-T-C.
Other names: c.2431A>G, p.Ile811Val (NM_001162426.2); c.2281A>G, p.Ile761Val (NM_001162427.2); c.2071A>G, p.Ile691Val (NM_001362177.2); short protein forms I691V, I761V, I811V, I812V.
Identifiers: ClinVar variation 971407 (VCV000971407.14), dbSNP rs751128287, ClinGen allele CA032712.